The following is an entry in ClinVar:

NM_000245.4(MET):c.143C>T (p.Ala48Val)

Gene: MET (MET proto-oncogene, receptor tyrosine kinase; plus strand). Cytogenetic location: 7q31.2.
Variant type: single nucleotide variant.
Coding change: c.143C>T on transcript NM_000245.4 (MANE Select); coding-DNA position 143, C replaced by T.
Protein change: p.Ala48Val; replaces alanine 48 with valine.
Molecular consequence: missense variant. On other transcripts: intron variant (1).
Genome position (GRCh38, 1-based): chr7:116,699,227, C>T. VCF-style: chr7-116699227-C-T. GRCh37 (hg19) VCF-style: chr7-116339281-C-T.
Other names: c.143C>T, p.Ala48Val (NM_001127500.3, NM_001324401.3); c.-91+26650C>T (NM_001324402.2); short protein forms A48V.
Identifiers: ClinVar variation 524907 (VCV000524907.19), dbSNP rs80256822, ClinGen allele CA164887850.

ClinVar aggregate classification (germline): Conflicting classifications of pathogenicity. Review status: criteria provided, conflicting classifications (1 of 4 stars). 4 submissions from 4 submitters: Uncertain significance (2); Benign (1); Likely benign (1). Last evaluated 2025-11-12.

Conditions:
Renal cell carcinoma. Identifiers: Orphanet 217071, MedGen C0007134, MeSH D002292, MONDO:0005086, HP:0005584.
Hereditary cancer-predisposing syndrome. Also called: Hereditary neoplastic syndrome; Tumor predisposition; Neoplastic Syndromes, Hereditary; Hereditary Cancer Syndrome. Identifiers: Orphanet 140162, MedGen C0027672, MeSH D009386, MONDO:0015356.

Allele frequency attached by ClinVar (database versions not stated): TOPMed 0.00002; 1000 Genomes Project 0.00020; 1000 Genomes Project 30x 0.00062.
gnomAD v4.1: 9 of 1,613,942 alleles (0.00056%); highest among the groups gnomAD compares: South Asian, 0.0033%; no homozygotes.

Submissions (4):

Labcorp Genetics (formerly Invitae), Labcorp
Classification: Benign for Renal cell carcinoma. Last evaluated: 2025-11-12. Review status: criteria provided, single submitter. Criteria: Invitae Variant Classification Sherloc (09022015). Collection method: clinical testing. Allele origin: germline.

Ambry Genetics
Classification: Likely benign for Hereditary cancer-predisposing syndrome. Last evaluated: 2025-09-10. Review status: criteria provided, single submitter. Criteria: Ambry Variant Classification Scheme 2023. Collection method: clinical testing. Allele origin: germline.

GeneDx
Classification: Uncertain significance. Last evaluated: 2025-05-13. Review status: criteria provided, single submitter. Criteria: GeneDx Variant Classification Process June 2021. Collection method: clinical testing. Allele origin: germline. Affected: yes.
Comment: Not observed at significant frequency in large population cohorts (gnomAD); In silico analysis supports that this missense variant has a deleterious effect on protein structure/function; Has not been previously published as pathogenic or benign to our knowledge

Blueprint Genetics
Classification: Uncertain significance. Last evaluated: 2023-07-20. Review status: criteria provided, single submitter. Criteria: ACMG Guidelines, 2015. Collection method: clinical testing. Allele origin: germline.